The following is an entry in ClinVar:

NM_198525.3(KIF7):c.1019dup (p.Asn341fs)

Gene: KIF7 (kinesin family member 7; minus strand). Cytogenetic location: 15q26.1.
Variant type: Duplication.
Coding change: c.1019dup on transcript NM_198525.3 (MANE Select); coding-DNA position 1019, one base duplicated (T; older notation c.1019dupT).
Protein change: p.Asn341fs; shifts the reading frame from asparagine 341.
Molecular consequence: frameshift variant.
Genome position (GRCh38, 1-based): chr15:89,648,679, A duplicated on the plus strand (T on the coding strand, the reverse complement: KIF7 is on the minus strand). VCF-style (leftmost placement, unchanged base first): chr15-89648678-G-GA. GRCh37 (hg19) VCF-style: chr15-90191909-G-GA.
Other names: short protein forms N341fs.
Identifiers: ClinVar variation 988539 (VCV000988539.5), dbSNP rs1964065704, ClinGen allele CA972628692.

ClinVar aggregate classification (germline): Pathogenic. Review status: criteria provided, multiple submitters, no conflicts (2 of 4 stars). 3 submissions from 3 submitters: Pathogenic (3). Last evaluated 2025-08-04.

Conditions:
Multiple epiphyseal dysplasia, Al-Gazali type. Also called: Macrocephaly with multiple epiphyseal dysplasia and distinctive facies. Identifiers: Orphanet 166024, MedGen C1846722, MONDO:0011778, OMIM 607131.
Acrocallosal syndrome (ACLS). Also called: HALLUX DUPLICATION, POSTAXIAL POLYDACTYLY, AND ABSENCE OF CORPUS CALLOSUM; Schinzel syndrome 1; Absence of corpus callosum with unusual facial appearance, mental deficiency, duplication of the halluces and polydactyly. Identifiers: Orphanet 36, MedGen C0796147, MONDO:0008708, OMIM 200990.
Hydrolethalus syndrome 2 (HLS2). Identifiers: Orphanet 2189, MedGen C3279899, MONDO:0013585, OMIM 614120.

Allele frequency attached by ClinVar (database versions not stated): TOPMed below 0.00001; gnomAD 0.00001; gnomAD exomes 0.00001.

Submissions (3):

Labcorp Genetics (formerly Invitae), Labcorp
Classification: Pathogenic for Acrocallosal syndrome. Last evaluated: 2025-08-04. Review status: criteria provided, single submitter. Criteria: Invitae Variant Classification Sherloc (09022015). Collection method: clinical testing. Allele origin: germline.
Comment: This sequence change creates a premature translational stop signal (p.Asn341Glnfs*122) in the KIF7 gene. It is expected to result in an absent or disrupted protein product. Loss-of-function variants in KIF7 are known to be pathogenic (PMID: 19666503, 21552264, 21633164, 26648833). This variant is not present in population databases (gnomAD no frequency). This premature translational stop signal has been observed in individual(s) with acrocallosal syndrome (PMID: 23125460). In at least one individual the data is consistent with being in trans (on the opposite chromosome) from a pathogenic variant. ClinVar contains an entry for this variant (Variation ID: 988539). For these reasons, this variant has been classified as Pathogenic.

Fulgent Genetics
Classification: Pathogenic for Acrocallosal syndrome; Multiple epiphyseal dysplasia, Al-Gazali type; Hydrolethalus syndrome 2. Last evaluated: 2023-12-27. Review status: criteria provided, single submitter. Criteria: ACMG Guidelines, 2015. Collection method: clinical testing. Allele origin: germline.

Clinical Genetics and Genomics, Karolinska University Hospital
Classification: Pathogenic. Last evaluated: 2018-01-25. Review status: criteria provided, single submitter. Criteria: ACMG Guidelines, 2015. Collection method: clinical testing. Allele origin: germline. Affected: yes. Observed: 2 variant alleles.

Literature cited by the submitters: PubMed 19666503 (cited by Labcorp Genetics (formerly Invitae), Labcorp); PubMed 21552264 (cited by Labcorp Genetics (formerly Invitae), Labcorp); PubMed 21633164 (cited by Labcorp Genetics (formerly Invitae), Labcorp); PubMed 26648833 (cited by Labcorp Genetics (formerly Invitae), Labcorp); PubMed 23125460 (cited by Labcorp Genetics (formerly Invitae), Labcorp).